The following is an entry in ClinVar:

ClinVar aggregate classification (germline): Uncertain significance (1 of 4 stars; one submission).

Submission:

Women's Health and Genetics/Laboratory Corporation of America, LabCorp
Classification: Uncertain significance. Last evaluated: 2026-06-12. Review status: criteria provided, single submitter. Criteria: LabCorp Variant Classification Summary - May 2015. Collection method: clinical testing. Allele origin: germline.
Comment: Variant summary: CCDC8 c.1613T>C (p.Leu538Pro) results in a non-conservative amino acid change in the encoded protein sequence. Algorithms developed to predict the effect of missense changes on protein structure and function are either unavailable or do not agree on the potential impact of this missense change. The variant allele was found at a frequency of 1.2e-05 in 251360 control chromosomes. The available data on variant occurrences in the general population are insufficient to allow any conclusion about variant significance. To our knowledge, no occurrence of c.1613T>C in individuals affected with CCDC8-related conditions and no experimental evidence demonstrating its impact on protein function have been reported. No submitters have cited clinical-significance assessments for this variant to ClinVar. Based on the evidence outlined above, the variant was classified as uncertain significance.

NM_032040.5(CCDC8):c.1613T>C (p.Leu538Pro)

Gene: CCDC8 (coiled-coil domain containing 8 subunit of 3M complex; minus strand). Cytogenetic location: 19q13.32.
Variant type: single nucleotide variant.
Coding change: c.1613T>C on transcript NM_032040.5 (MANE Select); coding-DNA position 1613, T replaced by C.
Protein change: p.Leu538Pro; replaces leucine 538 with proline.
Molecular consequence: missense variant.
Genome position (GRCh38, 1-based): chr19:46,411,198, A>G on the plus strand (T>C on the coding strand, the complement: CCDC8 is on the minus strand). VCF-style: chr19-46411198-A-G. GRCh37 (hg19) VCF-style: chr19-46914455-A-G.
Other names: short protein forms L538P.
Identifiers: ClinVar variation 4887282 (VCV004887282.1).